The following is an entry in ClinVar:

ClinVar aggregate classification (germline): Benign. Review status: criteria provided, multiple submitters, no conflicts (2 of 4 stars). 10 submissions from 9 submitters: Benign (8). 2 of the submissions do not count toward it. Last evaluated 2026-02-04.

Conditions:
Achromatopsia. Also called: Rod monochromatism. Identifiers: Orphanet 49382, MedGen C0152200, MONDO:0018852, HP:0011516.
Cone dystrophy 4 (COD4). Identifiers: Orphanet 49382, MedGen C2751308, MONDO:0013129, OMIM 613093.

Allele frequency attached by ClinVar (database versions not stated): 1000 Genomes Project 30x 0.40678; 1000 Genomes Project 0.41334; TOPMed 0.41596; ESP Exome Variant Server 0.42342; gnomAD 0.43098 and 0.43367; gnomAD exomes 0.45683 and 0.46420; ExAC 0.46045.
gnomAD v4.1: 681,737 of 1,479,756 alleles (46%); highest among the groups gnomAD compares: South Asian, 47%; 158,869 homozygotes.

Submissions (10):

Labcorp Genetics (formerly Invitae), Labcorp
Classification: Benign. Last evaluated: 2026-02-04. Review status: criteria provided, single submitter. Criteria: Invitae Variant Classification Sherloc (09022015). Collection method: clinical testing. Allele origin: germline.

Blueprint Genetics
Classification: Benign. Last evaluated: 2024-11-27. Review status: criteria provided, single submitter. Criteria: ACMG Guidelines, 2015. Collection method: clinical testing. Allele origin: germline.

Genome-Nilou Lab
Classification: Benign for Cone dystrophy 4. Last evaluated: 2021-09-05. Review status: criteria provided, single submitter. Criteria: ACMG Guidelines, 2015. Collection method: clinical testing. Allele origin: germline. Affected: no.

Illumina Laboratory Services, Illumina
Classification: Benign for Cone dystrophy 4. Last evaluated: 2018-01-13. Review status: criteria provided, single submitter. Criteria: ICSL Variant Classification Criteria 13 December 2019. Collection method: clinical testing. Allele origin: germline.
Comment: This variant was observed in the ICSL laboratory as part of a predisposition screen in an ostensibly healthy population. It had not been previously curated by ICSL or reported in the Human Gene Mutation Database (HGMD: prior to June 1st, 2018), and was therefore a candidate for classification through an automated scoring system. Utilizing variant allele frequency, disease prevalence and penetrance estimates, and inheritance mode, an automated score was calculated to assess if this variant is too frequent to cause the disease. Based on the score and internal cut-off values, a variant classified as benign is not then subjected to further curation. The score for this variant resulted in a classification of benign for this disease.

Illumina Laboratory Services, Illumina
Classification: Benign for Achromatopsia. Last evaluated: 2018-01-13. Review status: criteria provided, single submitter. Criteria: ICSL Variant Classification Criteria 13 December 2019. Collection method: clinical testing. Allele origin: germline.
Comment: the same text as in the submission from Illumina Laboratory Services, Illumina above.

GeneDx
Classification: Benign. Last evaluated: 2015-03-03. Review status: criteria provided, single submitter. Criteria: GeneDx Variant Classification Process June 2021. Collection method: clinical testing. Allele origin: germline. Affected: yes.

Breakthrough Genomics
Classification: Benign. Review status: criteria provided, single submitter. Criteria: ACMG Guidelines, 2015. Collection method: not provided. Allele origin: germline. Inheritance: Autosomal recessive inheritance. Affected: yes.

PreventionGenetics, part of Exact Sciences
Classification: Benign. Review status: criteria provided, single submitter. Criteria: ACMG Guidelines, 2015. Collection method: clinical testing. Allele origin: germline.

Diagnostic Laboratory, Department of Genetics, University Medical Center Groningen
Classification: Benign. Review status: no assertion criteria provided. Collection method: clinical testing. Allele origin: germline. Affected: yes. Study: VKGL Data-share Consensus. Not counted in ClinVar's aggregate classification.

Joint Genome Diagnostic Labs from Nijmegen and Maastricht, Radboudumc and MUMC+
Classification: Benign. Review status: no assertion criteria provided. Collection method: clinical testing. Allele origin: germline. Affected: yes. Study: VKGL Data-share Consensus. Not counted in ClinVar's aggregate classification.

NM_006204.4(PDE6C):c.1935+10C>A

Gene: PDE6C (phosphodiesterase 6C; plus strand). Cytogenetic location: 10q23.33.
Variant type: single nucleotide variant.
Coding change: c.1935+10C>A on transcript NM_006204.4 (MANE Select); 10 bases into the intron after coding-DNA position 1935, C replaced by A.
Molecular consequence: intron variant.
Genome position (GRCh38, 1-based): chr10:93,646,057, C>A. VCF-style: chr10-93646057-C-A. GRCh37 (hg19) VCF-style: chr10-95405814-C-A.
Identifiers: ClinVar variation 259943 (VCV000259943.25), dbSNP rs1409332, ClinGen allele CA5610341.
Genomic context (GRCh38, chr10:93,646,057, plus strand): 5'-ATTTTGGAGAGGCACCACCTGGAGTACAGTAAGACTCTGTTGCAGGATGAGGTACGTAAA[C>A]CTCTCTTTAGGACAGCTAAACACAAATTCTGGATCAAAGCACTAACCCACAGAAAATGCT-3'